The following is an entry in ClinVar:

NM_000095.3(COMP):c.390+4C>G

Gene: COMP (cartilage oligomeric matrix protein; minus strand). Cytogenetic location: 19p13.11.
Variant type: single nucleotide variant.
Coding change: c.390+4C>G on transcript NM_000095.3 (MANE Select); 4 bases into the intron after coding-DNA position 390, C replaced by G.
Molecular consequence: intron variant.
Genome position (GRCh38, 1-based): chr19:18,789,938, G>C on the plus strand (C>G on the coding strand, the complement: COMP is on the minus strand). VCF-style: chr19-18789938-G-C. GRCh37 (hg19) VCF-style: chr19-18900747-G-C.
Identifiers: ClinVar variation 2414436 (VCV002414436.6), dbSNP rs2055199540, ClinGen allele CA2580096762.

ClinVar aggregate classification (germline): Uncertain significance (1 of 4 stars; one submission).

gnomAD v4.1: 1 of 1,592,030 alleles (0.000063%); highest among the groups gnomAD compares: Non-Finnish European, 0.000085%; no homozygotes.

Submission:

Labcorp Genetics (formerly Invitae), Labcorp
Classification: Uncertain significance. Last evaluated: 2022-11-08. Review status: criteria provided, single submitter. Criteria: Invitae Variant Classification Sherloc (09022015). Collection method: clinical testing. Allele origin: germline.
Comment: In summary, the available evidence is currently insufficient to determine the role of this variant in disease. Therefore, it has been classified as a Variant of Uncertain Significance. Variants that disrupt the consensus splice site are a relatively common cause of aberrant splicing (PMID: 17576681, 9536098). Algorithms developed to predict the effect of sequence changes on RNA splicing suggest that this variant is not likely to affect RNA splicing. This variant has not been reported in the literature in individuals affected with COMP-related conditions. This variant is not present in population databases (gnomAD no frequency). This sequence change falls in intron 4 of the COMP gene. It does not directly change the encoded amino acid sequence of the COMP protein. It affects a nucleotide within the consensus splice site.

Literature cited by the submitters: PubMed 17576681; PubMed 9536098.